The following is an entry in ClinVar:

NM_000369.5(TSHR):c.1355T>C (p.Leu452Pro)

Genes: TSHR (thyroid stimulating hormone receptor; plus strand), TSHR-AS1 (TSHR antisense RNA 1; minus strand). Cytogenetic location: 14q31.1.
Variant type: single nucleotide variant.
Coding change: c.1355T>C on transcript NM_000369.5 (MANE Select); coding-DNA position 1355, T replaced by C.
Protein change: p.Leu452Pro; replaces leucine 452 with proline.
Molecular consequence: missense variant.
Genome position (GRCh38, 1-based): chr14:81,143,413, T>C. VCF-style: chr14-81143413-T-C. GRCh37 (hg19) VCF-style: chr14-81609757-T-C.
Other names: short protein forms L452P.
Identifiers: ClinVar variation 4847230 (VCV004847230.1).

ClinVar aggregate classification (germline): Uncertain significance (1 of 4 stars; one submission).

Submission:

Women's Health and Genetics/Laboratory Corporation of America, LabCorp
Classification: Uncertain significance. Last evaluated: 2026-03-31. Review status: criteria provided, single submitter. Criteria: LabCorp Variant Classification Summary - May 2015. Collection method: clinical testing. Allele origin: germline.
Comment: Variant summary: TSHR c.1355T>C (p.Leu452Pro) results in a non-conservative amino acid change in the encoded protein sequence. Algorithms developed to predict the effect of missense changes on protein structure and function all suggest that this variant is likely to be disruptive. The variant allele was found at a frequency of 4e-06 in 251478 control chromosomes. The available data on variant occurrences in the general population are insufficient to allow any conclusion about variant significance. c.1355T>C has been observed in the heterozygous state in at least 1 individual(s) affected with clinical features of Hypothyroidism Due To TSH Receptor Mutations (example, Zdraveska_2020) without strong evidence for causality. These report(s) do not provide unequivocal conclusions about association of the variant with Hypothyroidism Due To TSH Receptor Mutations. To our knowledge, no experimental evidence demonstrating an impact on protein function has been reported. The following publications have been ascertained in the context of this evaluation (PMID: 32765423, 36125728). No submitters have cited clinical-significance assessments for this variant to ClinVar. Based on the evidence outlined above, the variant was classified as uncertain significance.

Literature cited by the submitters: PubMed 36125728; PubMed 32765423.